The following is an entry in ClinVar:

ClinVar aggregate classification (germline): Uncertain significance. Review status: criteria provided, multiple submitters, no conflicts (2 of 4 stars). 2 submissions from 2 submitters: Uncertain significance (2). Last evaluated 2023-09-11.

Conditions:
Cardiovascular phenotype. Identifiers: MedGen CN230736.
Alstrom syndrome (ALMS). Identifiers: Orphanet 64, MedGen C0268425, MONDO:0008763, OMIM 203800.

Allele frequency attached by ClinVar (database versions not stated): gnomAD exomes below 0.00001 and 0.00001; TOPMed 0.00001; ExAC 0.00002; gnomAD 0.00002.
gnomAD v4.1: 7 of 1,613,566 alleles (0.00043%); highest among the groups gnomAD compares: Non-Finnish European, 0.00051%; no homozygotes.

Submissions (2):

Ambry Genetics
Classification: Uncertain significance for Cardiovascular phenotype. Last evaluated: 2023-09-11. Review status: criteria provided, single submitter. Criteria: Ambry Variant Classification Scheme 2023. Collection method: clinical testing. Allele origin: germline.
Comment: The p.S155T variant (also known as c.463T>A), located in coding exon 3 of the ALMS1 gene, results from a T to A substitution at nucleotide position 463. The serine at codon 155 is replaced by threonine, an amino acid with similar properties. This amino acid position is highly conserved in available vertebrate species. In addition, this alteration is predicted to be tolerated by in silico analysis. Since supporting evidence is limited at this time, the clinical significance of this alteration remains unclear.

Labcorp Genetics (formerly Invitae), Labcorp
Classification: Uncertain significance for Alstrom syndrome. Last evaluated: 2021-09-15. Review status: criteria provided, single submitter. Criteria: Invitae Variant Classification Sherloc (09022015). Collection method: clinical testing. Allele origin: germline.
Comment: This sequence change replaces serine with threonine at codon 155 of the ALMS1 protein (p.Ser155Thr). The serine residue is moderately conserved and there is a small physicochemical difference between serine and threonine. This variant is present in population databases (rs767106643, ExAC 0.005%). This variant has not been reported in the literature in individuals affected with ALMS1-related conditions. Experimental studies and prediction algorithms are not available or were not evaluated, and the functional significance of this variant is currently unknown. In summary, the available evidence is currently insufficient to determine the role of this variant in disease. Therefore, it has been classified as a Variant of Uncertain Significance.

NM_001378454.1(ALMS1):c.460T>A (p.Ser154Thr)

Gene: ALMS1 (ALMS1 centrosome and basal body associated protein; plus strand). Cytogenetic location: 2p13.1.
Variant type: single nucleotide variant.
Coding change: c.460T>A on transcript NM_001378454.1 (MANE Select); coding-DNA position 460, T replaced by A.
Protein change: p.Ser154Thr; replaces serine 154 with threonine.
Molecular consequence: missense variant.
Genome position (GRCh38, 1-based): chr2:73,419,132, T>A. VCF-style: chr2-73419132-T-A. GRCh37 (hg19) VCF-style: chr2-73646260-T-A.
Other names: c.463T>A, p.Ser155Thr (NM_015120.4); short protein forms S154T, S155T.
Identifiers: ClinVar variation 1465583 (VCV001465583.4), dbSNP rs767106643, ClinGen allele CA1712863.
Genomic context (GRCh38, chr2:73,419,132, plus strand): 5'-TATGGTAACTCAGTTAATGACTTAGCATGTTTTCCTTTAACATTTTTCTAGAAAACAGAA[T>A]CTTGGCATTGTCTTCCTCAAGAAATGGACTCTTCCCAAACCTTGGATACATCCCAGACTA-3'
Protein context (NP_001365383.1, residues 144-164): RGSGDDQKTE[Ser154Thr]WHCLPQEMDS